The following is an entry in ClinVar:

ClinVar aggregate classification (germline): Likely benign. Review status: criteria provided, multiple submitters, no conflicts (2 of 4 stars). 4 submissions from 4 submitters: Likely benign (4). Last evaluated 2026-04-02.

Conditions:
Hypertrophic cardiomyopathy 14. Identifiers: MedGen C2750467, MONDO:0013197, OMIM 613251.
MYH6-related disorder. Also called: MYH6-related condition; MYH6-Related Disorders.
Cardiovascular phenotype. Identifiers: MedGen CN230736.

gnomAD v4.1: 15 of 1,612,992 alleles (0.00093%); highest among the groups gnomAD compares: African/African-American, 0.017%; no homozygotes.

Submissions (4):

Women's Health and Genetics/Laboratory Corporation of America, LabCorp
Classification: Likely benign. Last evaluated: 2026-04-02. Review status: criteria provided, single submitter. Criteria: LabCorp Variant Classification Summary - May 2015. Collection method: clinical testing. Allele origin: germline.

Labcorp Genetics (formerly Invitae), Labcorp
Classification: Likely benign for Hypertrophic cardiomyopathy 14. Last evaluated: 2025-09-27. Review status: criteria provided, single submitter. Criteria: Invitae Variant Classification Sherloc (09022015). Collection method: clinical testing. Allele origin: germline.

PreventionGenetics, part of Exact Sciences
Classification: Likely benign for MYH6-related condition. Last evaluated: 2025-05-07. Review status: criteria provided, single submitter. Criteria: ACMG Guidelines, 2015. Collection method: clinical testing. Allele origin: germline.
Comment: This variant is classified as likely benign based on ACMG/AMP sequence variant interpretation guidelines (Richards et al. 2015 PMID: 25741868, with internal and published modifications).

Ambry Genetics
Classification: Likely benign for Cardiovascular phenotype. Last evaluated: 2023-05-13. Review status: criteria provided, single submitter. Criteria: Ambry Variant Classification Scheme 2023. Collection method: clinical testing. Allele origin: germline.

NM_002471.4(MYH6):c.5490C>G (p.Ala1830=)

Gene: MYH6 (myosin heavy chain 6; minus strand). Cytogenetic location: 14q11.2.
Variant type: single nucleotide variant.
Coding change: c.5490C>G on transcript NM_002471.4 (MANE Select); coding-DNA position 5490, C replaced by G.
Protein change: p.Ala1830=; no amino-acid change (alanine 1830 retained).
Molecular consequence: synonymous variant.
Genome position (GRCh38, 1-based): chr14:23,384,517, G>C on the plus strand (C>G on the coding strand, the complement: MYH6 is on the minus strand). VCF-style: chr14-23384517-G-C. GRCh37 (hg19) VCF-style: chr14-23853726-G-C.
Other names: c.5490C>G (NM_002471.3).
Identifiers: ClinVar variation 1148187 (VCV001148187.12), dbSNP rs201209864, ClinGen allele CA7114421.